The following is an entry in ClinVar:

NM_000046.5(ARSB):c.263dup (p.Pro89fs)

Genes: ARSB (arylsulfatase B; minus strand), LOC129994126 (ATAC-STARR-seq lymphoblastoid silent region 16127; plus strand). Cytogenetic location: 5q14.1.
Variant type: Duplication.
Coding change: c.263dup on transcript NM_000046.5 (MANE Select); coding-DNA position 263, one base duplicated (A; older notation c.263dupA).
Protein change: p.Pro89fs; shifts the reading frame from proline 89.
Molecular consequence: frameshift variant.
Genome position (GRCh38, 1-based): chr5:78,984,986, T duplicated on the plus strand (A on the coding strand, the reverse complement: ARSB is on the minus strand). VCF-style (leftmost placement, unchanged base first): chr5-78984985-C-CT. GRCh37 (hg19) VCF-style: chr5-78280808-C-CT.
Other names: c.263dup, p.Pro89fs (NM_198709.3); short protein forms P89fs.
Identifiers: ClinVar variation 559753 (VCV000559753.1), dbSNP rs1554032118, ClinGen allele CA658822938.

ClinVar aggregate classification (germline): Likely pathogenic (1 of 4 stars; one submission).

Conditions:
Mucopolysaccharidosis type 6 (MPS6). Also called: N-ACETYLGALACTOSAMINE-4-SULFATASE DEFICIENCY; MPS VI; MPS 6; Maroteaux Lamy syndrome; ARSB DEFICIENCY; ARYLSULFATASE B DEFICIENCY. Identifiers: Orphanet 583, MedGen C0026709, MONDO:0009661, OMIM 253200.

Submission:

Laboratory of Diagnosis and Therapy of Lysosomal Disorders, University of Padova
Classification: Likely pathogenic for Mucopolysaccharidosis type 6. Last evaluated: 2018-01-01. Review status: criteria provided, single submitter. Criteria: ACMG Guidelines, 2015. Collection method: curation. Allele origin: germline. Affected: yes.
Comment: Frameshift variant (PVS1); Absent from GnomAD (PM2)

Incorrectly reported by Jurecka (2014) Ped Intl 56, 520â€“526 as c.262_263insA

Literature cited by the submitters: PubMed 24373060; PubMed 30118150.